The following is an entry in ClinVar:

ClinVar aggregate classification (germline): Benign/Likely benign. Review status: criteria provided, multiple submitters, no conflicts (2 of 4 stars). 3 submissions from 3 submitters: Benign (1); Likely benign (2). Last evaluated 2025-08-25.

Conditions:
Pheochromocytoma. Also called: MAX-Related Hereditary Paraganglioma-Pheochromocytoma Syndrome. Identifiers: Orphanet 29072, MedGen C0031511, MONDO:0008233, OMIM 171300, HP:0002666.
Gastrointestinal stromal tumor. Also called: Gastrointestinal stromal tumor, somatic; Gastrointestinal stroma tumor. Identifiers: Orphanet 44890, MedGen C0238198, MeSH D046152, MONDO:0011719, OMIM 606764, HP:0100723.
Pheochromocytoma/paraganglioma syndrome 4. Also called: CAROTID BODY TUMORS AND MULTIPLE EXTRAADRENAL PHEOCHROMOCYTOMAS; PARAGANGLIOMA, FAMILIAL MALIGNANT; PARAGANGLIOMAS, HEREDITARY EXTRAADRENAL; PHEOCHROMOCYTOMA, FAMILIAL EXTRAADRENAL; Paragangliomas 4; SDHB-Related Hereditary Paraganglioma-Pheochromocytoma Syndrome (Paragangliomas 4). Identifiers: Orphanet 29072, MedGen C1861848, MONDO:0007273, OMIM 115310.
Hereditary cancer-predisposing syndrome. Also called: Neoplastic Syndromes, Hereditary; Hereditary neoplastic syndrome; Tumor predisposition; Hereditary Cancer Syndrome. Identifiers: Orphanet 140162, MedGen C0027672, MeSH D009386, MONDO:0015356.

Allele frequency attached by ClinVar (database versions not stated): gnomAD exomes below 0.00001.
gnomAD v4.1: 1 of 1,614,188 alleles (0.000062%); highest among the groups gnomAD compares: Non-Finnish European, 0.000085%; no homozygotes.

Submissions (3):

Ambry Genetics
Classification: Likely benign for Hereditary cancer-predisposing syndrome. Last evaluated: 2025-08-25. Review status: criteria provided, single submitter. Criteria: Ambry Variant Classification Scheme 2023. Collection method: clinical testing. Allele origin: germline.

Myriad Genetics, Inc.
Classification: Benign for Pheochromocytoma/paraganglioma syndrome 4. Last evaluated: 2025-03-12. Review status: criteria provided, single submitter. Criteria: Myriad Autosomal Dominant, Autosomal Recessive and X-Linked Classification Criteria (2023). Collection method: clinical testing. Allele origin: unknown.
Comment: This variant is considered benign. This variant is a silent/synonymous amino acid change and it is not expected to impact splicing.

Labcorp Genetics (formerly Invitae), Labcorp
Classification: Likely benign for Gastrointestinal stromal tumor; Pheochromocytoma/paraganglioma syndrome 4; Pheochromocytoma. Last evaluated: 2023-07-10. Review status: criteria provided, single submitter. Criteria: Invitae Variant Classification Sherloc (09022015). Collection method: clinical testing. Allele origin: germline.

NM_003000.3(SDHB):c.396C>T (p.His132=)

Gene: SDHB (succinate dehydrogenase complex iron sulfur subunit B; minus strand). Cytogenetic location: 1p36.13.
Variant type: single nucleotide variant.
Coding change: c.396C>T on transcript NM_003000.3 (MANE Select); coding-DNA position 396, C replaced by T.
Protein change: p.His132=; no amino-acid change (histidine 132 retained).
Molecular consequence: synonymous variant. On other transcripts: intron variant (1).
Genome position (GRCh38, 1-based): chr1:17,028,627, G>A on the plus strand (C>T on the coding strand, the complement: SDHB is on the minus strand). VCF-style: chr1-17028627-G-A. GRCh37 (hg19) VCF-style: chr1-17355122-G-A.
Other names: c.369+27C>T (NM_001407361.1).
Identifiers: ClinVar variation 2924312 (VCV002924312.5), dbSNP rs2078004482, ClinGen allele CA416087565.